The following is an entry in ClinVar:

ClinVar aggregate classification (germline): Uncertain significance. Review status: criteria provided, multiple submitters, no conflicts (2 of 4 stars). 2 submissions from 2 submitters: Uncertain significance (2). Last evaluated 2025-07-15.

Allele frequency attached by ClinVar (database versions not stated): gnomAD exomes below 0.00001.
gnomAD v4.1: 2 of 1,614,094 alleles (0.00012%); highest among the groups gnomAD compares: Non-Finnish European, 0.00017%; no homozygotes.

Submissions (2):

GeneDx
Classification: Uncertain significance. Last evaluated: 2025-07-15. Review status: criteria provided, single submitter. Criteria: GeneDx Variant Classification Process June 2021. Collection method: clinical testing. Allele origin: germline. Affected: yes.
Comment: Not observed at significant frequency in large population cohorts (gnomAD); In silico analysis suggests that this missense variant does not alter protein structure/function; Has not been previously published as pathogenic or benign to our knowledge

Labcorp Genetics (formerly Invitae), Labcorp
Classification: Uncertain significance. Last evaluated: 2020-04-08. Review status: criteria provided, single submitter. Criteria: Invitae Variant Classification Sherloc (09022015). Collection method: clinical testing. Allele origin: germline.
Comment: In summary, the available evidence is currently insufficient to determine the role of this variant in disease. Therefore, it has been classified as a Variant of Uncertain Significance. Algorithms developed to predict the effect of missense changes on protein structure and function (SIFT, PolyPhen-2, Align-GVGD) all suggest that this variant is likely to be tolerated, but these predictions have not been confirmed by published functional studies and their clinical significance is uncertain. This variant has not been reported in the literature in individuals with MSH3-related conditions. This variant is not present in population databases (ExAC no frequency). This sequence change replaces threonine with isoleucine at codon 216 of the MSH3 protein (p.Thr216Ile). The threonine residue is moderately conserved and there is a moderate physicochemical difference between threonine and isoleucine.

NM_002439.5(MSH3):c.647C>T (p.Thr216Ile)

Gene: MSH3 (mutS homolog 3; plus strand). Cytogenetic location: 5q14.1.
Variant type: single nucleotide variant.
Coding change: c.647C>T on transcript NM_002439.5 (MANE Select); coding-DNA position 647, C replaced by T.
Protein change: p.Thr216Ile; replaces threonine 216 with isoleucine.
Molecular consequence: missense variant.
Genome position (GRCh38, 1-based): chr5:80,670,164, C>T. VCF-style: chr5-80670164-C-T. GRCh37 (hg19) VCF-style: chr5-79965983-C-T.
Other names: c.647C>T (NM_002439.4); short protein forms T216I.
Identifiers: ClinVar variation 1024522 (VCV001024522.9), dbSNP rs1749671816, ClinGen allele CA360266614.